The following is an entry in ClinVar:

NM_000035.4(ALDOB):c.325-19T>G

Gene: ALDOB (aldolase, fructose-bisphosphate B; minus strand). Cytogenetic location: 9q31.1.
Variant type: single nucleotide variant.
Coding change: c.325-19T>G on transcript NM_000035.4 (MANE Select); 19 bases into the intron before coding-DNA position 325, T replaced by G.
Molecular consequence: intron variant.
Genome position (GRCh38, 1-based): chr9:101,428,542, A>C on the plus strand (T>G on the coding strand, the complement: ALDOB is on the minus strand). VCF-style: chr9-101428542-A-C. GRCh37 (hg19) VCF-style: chr9-104190824-A-C.
Other names: c.325-19T>G (LRG_1244t1).
Identifiers: ClinVar variation 388143 (VCV000388143.8), dbSNP rs200798661, ClinGen allele CA5161655.

ClinVar aggregate classification (germline): Benign/Likely benign. Review status: criteria provided, multiple submitters, no conflicts (2 of 4 stars). 4 submissions from 4 submitters: Benign (1); Likely benign (3). Last evaluated 2026-01-28.

Conditions:
Hereditary fructosuria. Also called: ALDOB DEFICIENCY; ALDOLASE B DEFICIENCY; FRUCTOSE-1,6-BISPHOSPHATE ALDOLASE B DEFICIENCY; FRUCTOSE-1-PHOSPHATE ALDOLASE DEFICIENCY; FRUCTOSEMIA; Hereditary fructose intolerance. Identifiers: Orphanet 469, MedGen C0016751, MONDO:0009249, OMIM 229600, HP:0005973. Disease mechanism: loss of function.

Allele frequency attached by ClinVar (database versions not stated): 1000 Genomes Project 30x 0.00062; ESP Exome Variant Server 0.00062; gnomAD 0.00066 and 0.00070; gnomAD exomes 0.00066 and 0.00098; TOPMed 0.00071; 1000 Genomes Project 0.00080; ExAC 0.00113.
gnomAD v4.1: 1,074 of 1,605,392 alleles (0.067%); highest among the groups gnomAD compares: Middle Eastern, 0.61%; 5 homozygotes.

Submissions (4):

Labcorp Genetics (formerly Invitae), Labcorp
Classification: Benign for Hereditary fructosuria. Last evaluated: 2026-01-28. Review status: criteria provided, single submitter. Criteria: Invitae Variant Classification Sherloc (09022015). Collection method: clinical testing. Allele origin: germline.

Blueprint Genetics
Classification: Likely benign. Last evaluated: 2024-11-08. Review status: criteria provided, single submitter. Criteria: ACMG Guidelines, 2015. Collection method: clinical testing. Allele origin: germline.

GeneDx
Classification: Likely benign. Last evaluated: 2018-03-12. Review status: criteria provided, single submitter. Criteria: GeneDx Variant Classification (06012015). Collection method: clinical testing. Allele origin: germline. Affected: yes.
Comment: This variant is considered likely benign or benign based on one or more of the following criteria: it is a conservative change, it occurs at a poorly conserved position in the protein, it is predicted to be benign by multiple in silico algorithms, and/or has population frequency not consistent with disease.

Breakthrough Genomics
Classification: Likely benign. Review status: criteria provided, single submitter. Criteria: ACMG Guidelines, 2015. Collection method: not provided. Allele origin: germline. Inheritance: Autosomal recessive inheritance. Affected: yes.